The following is an entry in ClinVar:

ClinVar aggregate classification (germline): Uncertain significance. Review status: criteria provided, multiple submitters, no conflicts (2 of 4 stars). 3 submissions from 3 submitters: Uncertain significance (3). Last evaluated 2025-09-08.

Conditions:
Cardiovascular phenotype. Identifiers: MedGen CN230736.
ZNF469-related disorder. Also called: ZNF469-related condition.

gnomAD v4.1: 18 of 1,548,130 alleles (0.0012%); highest among the groups gnomAD compares: Middle Eastern, 0.017%; no homozygotes.

Submissions (3):

PreventionGenetics, part of Exact Sciences
Classification: Uncertain significance for ZNF469-related condition. Last evaluated: 2025-09-08. Review status: criteria provided, single submitter. Criteria: ACMG Guidelines, 2015. Collection method: clinical testing. Allele origin: germline.
Comment: The ZNF469 c.1931C>G variant is predicted to result in the amino acid substitution p.Thr644Arg. To our knowledge, this variant has not been reported in the literature. This variant is reported in 0.0066% of alleles in individuals of European (Non-Finnish) descent in gnomAD. At this time, the clinical significance of this variant is uncertain due to the absence of conclusive functional and genetic evidence.

Ambry Genetics
Classification: Uncertain significance for Cardiovascular phenotype. Last evaluated: 2023-02-03. Review status: criteria provided, single submitter. Criteria: Ambry Variant Classification Scheme 2023. Collection method: clinical testing. Allele origin: germline.

Labcorp Genetics (formerly Invitae), Labcorp
Classification: Uncertain significance. Last evaluated: 2022-05-02. Review status: criteria provided, single submitter. Criteria: Invitae Variant Classification Sherloc (09022015). Collection method: clinical testing. Allele origin: germline.
Comment: This sequence change replaces threonine, which is neutral and polar, with arginine, which is basic and polar, at codon 644 of the ZNF469 protein (p.Thr644Arg). This variant is present in population databases (no rsID available, gnomAD 0.007%). This variant has not been reported in the literature in individuals affected with ZNF469-related conditions. Algorithms developed to predict the effect of missense changes on protein structure and function are either unavailable or do not agree on the potential impact of this missense change (SIFT: "Tolerated"; PolyPhen-2: "Possibly Damaging"; Align-GVGD: "Class C0"). In summary, the available evidence is currently insufficient to determine the role of this variant in disease. Therefore, it has been classified as a Variant of Uncertain Significance.

NM_001367624.2(ZNF469):c.1931C>G (p.Thr644Arg)

Gene: ZNF469 (zinc finger protein 469; plus strand). Cytogenetic location: 16q24.2.
Variant type: single nucleotide variant.
Coding change: c.1931C>G on transcript NM_001367624.2 (MANE Select); coding-DNA position 1931, C replaced by G.
Protein change: p.Thr644Arg; replaces threonine 644 with arginine.
Molecular consequence: missense variant.
Genome position (GRCh38, 1-based): chr16:88,429,401, C>G. VCF-style: chr16-88429401-C-G. GRCh37 (hg19) VCF-style: chr16-88495809-C-G.
Other names: NM_001127464.1:c.1931C>G; NM_001127464.2:c.1931C>G; short protein forms T644R.
Identifiers: ClinVar variation 2099901 (VCV002099901.4), dbSNP rs1359055760, ClinGen allele CA397069227.